The following is an entry in ClinVar:

ClinVar aggregate classification (germline): Uncertain significance (1 of 4 stars; one submission).

Conditions:
Autosomal recessive severe congenital neutropenia due to CSF3R deficiency. Also called: Neutropenia, severe congenital, 7, autosomal recessive. Identifiers: Orphanet 420702, MedGen C4310764, MONDO:0014865, OMIM 617014.

Submission:

Labcorp Genetics (formerly Invitae), Labcorp
Classification: Uncertain significance for Autosomal recessive severe congenital neutropenia due to CSF3R deficiency. Last evaluated: 2026-01-06. Review status: criteria provided, single submitter. Criteria: Invitae Variant Classification Sherloc (09022015). Collection method: clinical testing. Allele origin: germline.
Comment: This sequence change replaces serine, which is neutral and polar, with phenylalanine, which is neutral and non-polar, at codon 45 of the CSF3R protein (p.Ser45Phe). This variant is not present in population databases (gnomAD no frequency). This variant has not been reported in the literature in individuals affected with CSF3R-related conditions. Invitae Evidence Modeling of protein sequence and biophysical properties (such as structural, functional, and spatial information, amino acid conservation, physicochemical variation, residue mobility, and thermodynamic stability) has been performed for this missense variant. However, the output from this modeling did not meet the statistical confidence thresholds required to predict the impact of this variant on CSF3R protein function. In summary, the available evidence is currently insufficient to determine the role of this variant in disease. Therefore, it has been classified as a Variant of Uncertain Significance.

NM_000760.4(CSF3R):c.134C>T (p.Ser45Phe)

Gene: CSF3R (colony stimulating factor 3 receptor; minus strand). Cytogenetic location: 1p34.3.
Variant type: single nucleotide variant.
Coding change: c.134C>T on transcript NM_000760.4 (MANE Select); coding-DNA position 134, C replaced by T.
Protein change: p.Ser45Phe; replaces serine 45 with phenylalanine.
Molecular consequence: missense variant.
Genome position (GRCh38, 1-based): chr1:36,475,604, G>A on the plus strand (C>T on the coding strand, the complement: CSF3R is on the minus strand). VCF-style: chr1-36475604-G-A. GRCh37 (hg19) VCF-style: chr1-36941205-G-A.
Other names: c.134C>T, p.Ser45Phe (NM_156039.3, NM_172313.3); short protein forms S45F.
Identifiers: ClinVar variation 4809908 (VCV004809908.1).